The following is an entry in ClinVar:

ClinVar aggregate classification (germline): Likely benign (1 of 4 stars; one submission).

gnomAD v4.1: 140 of 1,611,846 alleles (0.0087%); highest among the groups gnomAD compares: African/African-American, 0.16%; no homozygotes.

Submission:

Mayo Clinic Laboratories, Mayo Clinic
Classification: Likely benign. Last evaluated: 2025-08-12. Review status: criteria provided, single submitter. Criteria: ACMG Guidelines, 2015. Collection method: clinical testing. Allele origin: germline. Observed: 1 variant allele.
Comment: BP4, BP7

NM_001355436.2(SPTB):c.5554-29G>A

Gene: SPTB (spectrin beta, erythrocytic; minus strand). Cytogenetic location: 14q23.3.
Variant type: single nucleotide variant.
Coding change: c.5554-29G>A on transcript NM_001355436.2 (MANE Select); 29 bases into the intron before coding-DNA position 5554, G replaced by A.
Molecular consequence: intron variant.
Genome position (GRCh38, 1-based): chr14:64,771,158, C>T on the plus strand (G>A on the coding strand, the complement: SPTB is on the minus strand). VCF-style: chr14-64771158-C-T. GRCh37 (hg19) VCF-style: chr14-65237876-C-T.
Other names: p.?; c.5554-29G>A (NM_001024858.4, NM_001355437.2).
Identifiers: ClinVar variation 4683873 (VCV004683873.1).